The following is an entry in ClinVar:

NM_001128178.3(NPHP1):c.982T>C (p.Leu328=)

Gene: NPHP1 (nephrocystin 1; minus strand). Cytogenetic location: 2q13.
Variant type: single nucleotide variant.
Coding change: c.982T>C on transcript NM_001128178.3 (MANE Select); coding-DNA position 982, T replaced by C.
Protein change: p.Leu328=; no amino-acid change (leucine 328 retained).
Molecular consequence: synonymous variant.
Genome position (GRCh38, 1-based): chr2:110,160,228, A>G on the plus strand (T>C on the coding strand, the complement: NPHP1 is on the minus strand). VCF-style: chr2-110160228-A-G. GRCh37 (hg19) VCF-style: chr2-110917805-A-G.
Other names: c.1150T>C, p.Leu384= (NM_000272.5); c.793T>C, p.Leu265= (NM_001128179.3); c.979T>C, p.Leu327= (NM_001374256.1); c.982T>C, p.Leu328= (NM_001374257.1); c.1147T>C, p.Leu383= (NM_207181.4).
Identifiers: ClinVar variation 5000947 (VCV005000947.1).
Genomic context (GRCh38, chr2:110,160,228, plus strand): 5'-GAACCTGTATGCTCATTCCTGGAAGAGGAATCATTTTACAGCTCCATAATGTCAGAATCA[A>G]TGAAATACGACTTGGTCTCGACCTAATCTGAAAGAAAAATTAGTTATAAAAAAGTTTATT-3'
Protein context (NP_001121650.1, residues 318-338): TIRSRPSRIS[Leu328=]ILTLWSCKMI

ClinVar aggregate classification (germline): Likely benign (1 of 4 stars; one submission).

Conditions:
NPHP1-related disorder. Also called: NPHP1-related disorders; NPHP1-related condition.

gnomAD v4.1: 2 of 1,611,804 alleles (0.00012%); highest among the groups gnomAD compares: Non-Finnish European, 0.00017%; no homozygotes.

Submission:

PreventionGenetics, part of Exact Sciences
Classification: Likely benign for NPHP1-related condition. Last evaluated: 2025-09-10. Review status: criteria provided, single submitter. Criteria: ACMG Guidelines, 2015. Collection method: clinical testing. Allele origin: germline.
Comment: This variant is classified as likely benign based on ACMG/AMP sequence variant interpretation guidelines (Richards et al. 2015 PMID: 25741868, with internal and published modifications).